The following is an entry in ClinVar:

ClinVar aggregate classification (germline): Uncertain significance. Review status: criteria provided, multiple submitters, no conflicts (2 of 4 stars). 2 submissions from 2 submitters: Uncertain significance (2). Last evaluated 2025-09-22.

Conditions:
Inborn genetic diseases. Identifiers: MedGen C0950123, MeSH D030342.

Allele frequency attached by ClinVar (database versions not stated): gnomAD exomes below 0.00001; gnomAD 0.00001; TOPMed 0.00001.
gnomAD v4.1: 3 of 1,559,930 alleles (0.00019%); highest among the groups gnomAD compares: Non-Finnish European, 0.00026%; no homozygotes.

Submissions (2):

Ambry Genetics
Classification: Uncertain significance for Inborn genetic diseases. Last evaluated: 2025-09-22. Review status: criteria provided, single submitter. Criteria: Ambry Variant Classification Scheme 2023. Collection method: clinical testing. Allele origin: germline.

Labcorp Genetics (formerly Invitae), Labcorp
Classification: Uncertain significance. Last evaluated: 2022-10-05. Review status: criteria provided, single submitter. Criteria: Invitae Variant Classification Sherloc (09022015). Collection method: clinical testing. Allele origin: germline.
Comment: This variant has not been reported in the literature in individuals affected with GATA3-related conditions. In summary, the available evidence is currently insufficient to determine the role of this variant in disease. Therefore, it has been classified as a Variant of Uncertain Significance. Advanced modeling of protein sequence and biophysical properties (such as structural, functional, and spatial information, amino acid conservation, physicochemical variation, residue mobility, and thermodynamic stability) performed at Invitae indicates that this missense variant is not expected to disrupt GATA3 protein function. ClinVar contains an entry for this variant (Variation ID: 1361834). This variant is not present in population databases (gnomAD no frequency). This sequence change replaces threonine, which is neutral and polar, with asparagine, which is neutral and polar, at codon 78 of the GATA3 protein (p.Thr78Asn).

NM_001002295.2(GATA3):c.233C>A (p.Thr78Asn)

Genes: GATA3 (GATA binding protein 3; plus strand), LOC130003278 (ATAC-STARR-seq lymphoblastoid silent region 2118; plus strand). Cytogenetic location: 10p14.
Variant type: single nucleotide variant.
Coding change: c.233C>A on transcript NM_001002295.2 (MANE Select); coding-DNA position 233, C replaced by A.
Protein change: p.Thr78Asn; replaces threonine 78 with asparagine.
Molecular consequence: missense variant.
Genome position (GRCh38, 1-based): chr10:8,055,888, C>A. VCF-style: chr10-8055888-C-A. GRCh37 (hg19) VCF-style: chr10-8097851-C-A.
Other names: c.233C>A (NM_001002295.1); c.233C>A, p.Thr78Asn (NM_002051.3); short protein forms T78N.
Identifiers: ClinVar variation 1361834 (VCV001361834.9), dbSNP rs1004765920, ClinGen allele CA202454776.